The following is an entry in ClinVar:

ClinVar aggregate classification (germline): Likely benign (0 of 4 stars; one submission).

Conditions:
EP400-related disorder. Also called: EP400-related condition.

Allele frequency attached by ClinVar (database versions not stated): 1000 Genomes Project 0.00020; ESP Exome Variant Server 0.00023; TOPMed 0.00024; gnomAD exomes 0.00003; ExAC 0.00012; gnomAD 0.00016; 1000 Genomes Project 30x 0.00031.
gnomAD v4.1: 77 of 1,614,072 alleles (0.0048%); highest among the groups gnomAD compares: African/African-American, 0.071%; no homozygotes.

Submission:

PreventionGenetics, part of Exact Sciences
Classification: Likely benign for EP400-related condition. Last evaluated: 2019-09-10. Review status: no assertion criteria provided. Collection method: clinical testing. Allele origin: germline.
Comment: This variant is classified as likely benign based on ACMG/AMP sequence variant interpretation guidelines (Richards et al. 2015 PMID: 25741868, with internal and published modifications).

NM_015409.5(EP400):c.7959G>A (p.Thr2653=)

Gene: EP400 (E1A binding protein p400; plus strand). Cytogenetic location: 12q24.33.
Variant type: single nucleotide variant.
Coding change: c.7959G>A on transcript NM_015409.5 (MANE Select); coding-DNA position 7959, G replaced by A.
Protein change: p.Thr2653=; no amino-acid change (threonine 2653 retained).
Molecular consequence: synonymous variant.
Genome position (GRCh38, 1-based): chr12:132,062,184, G>A. VCF-style: chr12-132062184-G-A. GRCh37 (hg19) VCF-style: chr12-132546729-G-A.
Identifiers: ClinVar variation 3040256 (VCV003040256.2), dbSNP rs147773494, ClinGen allele CA6886938.